The following is an entry in ClinVar:

NM_006363.6(SEC23B):c.5C>T (p.Ala2Val)

Gene: SEC23B (SEC23 homolog B, COPII component; plus strand). Cytogenetic location: 20p11.23.
Variant type: single nucleotide variant.
Coding change: c.5C>T on transcript NM_006363.6 (MANE Select); coding-DNA position 5, C replaced by T.
Protein change: p.Ala2Val; replaces alanine 2 with valine.
Molecular consequence: missense variant.
Genome position (GRCh38, 1-based): chr20:18,510,840, C>T. VCF-style: chr20-18510840-C-T. GRCh37 (hg19) VCF-style: chr20-18491484-C-T.
Other names: c.5C>T, p.Ala2Val (NM_001172745.3, NM_001172746.3, NM_032985.6 and 1 more transcripts); short protein forms A2V.
Identifiers: ClinVar variation 2041736 (VCV002041736.2), dbSNP rs190721221, ClinGen allele CA9777902.

ClinVar aggregate classification (germline): Uncertain significance (1 of 4 stars; one submission).

Conditions:
Cowden syndrome 7 (CWS7). Identifiers: Orphanet 201, MedGen C4225179, MONDO:0014802, OMIM 616858.
Congenital dyserythropoietic anemia, type II (CDAN2). Also called: DYSERYTHROPOIETIC ANEMIA, HEMPAS TYPE. Identifiers: Orphanet 98873, MedGen C1306589, MONDO:0009134, OMIM 224100.

Allele frequency attached by ClinVar (database versions not stated): gnomAD 0.00001; gnomAD exomes 0.00003; TOPMed 0.00003; ExAC 0.00016; 1000 Genomes Project 30x 0.00031; 1000 Genomes Project 0.00040.
gnomAD v4.1: 48 of 1,613,574 alleles (0.003%); highest among the groups gnomAD compares: Admixed American, 0.012%; no homozygotes.

Submission:

Labcorp Genetics (formerly Invitae), Labcorp
Classification: Uncertain significance for Congenital dyserythropoietic anemia, type II; Cowden syndrome 7. Last evaluated: 2022-04-11. Review status: criteria provided, single submitter. Criteria: Invitae Variant Classification Sherloc (09022015). Collection method: clinical testing. Allele origin: germline.
Comment: This variant has not been reported in the literature in individuals affected with SEC23B-related conditions. This sequence change replaces alanine, which is neutral and non-polar, with valine, which is neutral and non-polar, at codon 2 of the SEC23B protein (p.Ala2Val). This variant is present in population databases (rs190721221, gnomAD 0.02%). Algorithms developed to predict the effect of missense changes on protein structure and function (SIFT, PolyPhen-2, Align-GVGD) all suggest that this variant is likely to be tolerated. In summary, the available evidence is currently insufficient to determine the role of this variant in disease. Therefore, it has been classified as a Variant of Uncertain Significance.